The following is an entry in ClinVar:

NM_000093.5(COL5A1):c.2677G>A (p.Ala893Thr)

Gene: COL5A1 (collagen type V alpha 1 chain; plus strand). Cytogenetic location: 9q34.3.
Variant type: single nucleotide variant.
Coding change: c.2677G>A on transcript NM_000093.5 (MANE Select); coding-DNA position 2677, G replaced by A.
Protein change: p.Ala893Thr; replaces alanine 893 with threonine.
Molecular consequence: missense variant.
Genome position (GRCh38, 1-based): chr9:134,789,185, G>A. VCF-style: chr9-134789185-G-A. GRCh37 (hg19) VCF-style: chr9-137681031-G-A.
Other names: c.2677G>A, p.Ala893Thr (NM_001278074.1); short protein forms A893T.
Identifiers: ClinVar variation 834228 (VCV000834228.20), dbSNP rs146195310, ClinGen allele CA5319521.

ClinVar aggregate classification (germline): Conflicting classifications of pathogenicity. Review status: criteria provided, conflicting classifications (1 of 4 stars). 3 submissions from 3 submitters: Uncertain significance (1); Likely benign (2). Last evaluated 2026-05-05.

Conditions:
Ehlers-Danlos syndrome, classic type, 1 (EDSCL1). Also called: Ehlers-Danlos syndrome, type 1; Ehlers-Danlos Syndrome, Classic Type, COL5A1-Related; EDS I; EHLERS-DANLOS SYNDROME, GRAVIS TYPE; EHLERS-DANLOS SYNDROME, SEVERE CLASSIC TYPE. Identifiers: MedGen C0268335, MONDO:0019567, OMIM 130000.

Allele frequency attached by ClinVar (database versions not stated): gnomAD exomes 0.00003 and 0.00004; TOPMed 0.00018; ESP Exome Variant Server 0.00031; 1000 Genomes Project 30x 0.00031; ExAC 0.00003; 1000 Genomes Project 0.00040; gnomAD 0.00011.
gnomAD v4.1: 70 of 1,613,068 alleles (0.0043%); highest among the groups gnomAD compares: African/African-American, 0.027%; no homozygotes.

Submissions (3):

Women's Health and Genetics/Laboratory Corporation of America, LabCorp
Classification: Likely benign. Last evaluated: 2026-05-05. Review status: criteria provided, single submitter. Criteria: LabCorp Variant Classification Summary - May 2015. Collection method: clinical testing. Allele origin: germline.
Comment: Variant summary: COL5A1 c.2677G>A (p.Ala893Thr) results in a non-conservative amino acid change in the encoded protein sequence. Algorithms developed to predict the effect of missense changes on protein structure and function all suggest that this variant is likely to be disruptive. The variant allele was found at a frequency of 4.4e-05 in 1606094 control chromosomes, predominantly at a frequency of 0.00027 within the African or African-American subpopulation in the gnomAD database. The observed variant frequency within African or African-American control individuals in the gnomAD database exceeds the estimated maximal expected allele frequency for disease-causing variants in COL5A1. To our knowledge, no occurrence of c.2677G>A in individuals affected with COL5A1-related conditions and no experimental evidence demonstrating its impact on protein function have been reported. ClinVar contains an entry for this variant (Variation ID: 834228). Based on the evidence outlined above, the variant was classified as likely benign.

Labcorp Genetics (formerly Invitae), Labcorp
Classification: Likely benign for Ehlers-Danlos syndrome, classic type, 1. Last evaluated: 2025-12-24. Review status: criteria provided, single submitter. Criteria: Invitae Variant Classification Sherloc (09022015). Collection method: clinical testing. Allele origin: germline.

GeneDx
Classification: Uncertain significance. Last evaluated: 2025-03-12. Review status: criteria provided, single submitter. Criteria: GeneDx Variant Classification Process June 2021. Collection method: clinical testing. Allele origin: germline. Affected: yes.
Comment: Has not been previously published as pathogenic or benign in association with a COL5A1-related disorder to our knowledge; In silico analysis indicates that this missense variant does not alter protein structure/function; Occurs in the triple helical domain at the X position in the canonical Gly-X-Y repeat; although this variant may have an effect on normal protein folding and function, missense substitution at the X position is not a common mechanism of disease (PMID: 22696272; HGMD); This variant is associated with the following publications: (PMID: 34183866, 22696272)